The following is an entry in ClinVar:

ClinVar aggregate classification (germline): Uncertain significance (1 of 4 stars; one submission).

Submission:

Ambry Genetics
Classification: Uncertain significance. Last evaluated: 2021-12-20. Review status: criteria provided, single submitter. Criteria: Ambry Variant Classification Scheme 2023. Collection method: clinical testing. Allele origin: germline.
Comment: The p.A1028V variant (also known as c.3083C>T), located in coding exon 1 of the MLH3 gene, results from a C to T substitution at nucleotide position 3083. The alanine at codon 1028 is replaced by valine, an amino acid with similar properties. This amino acid position is conserved. In addition, this alteration is predicted to be tolerated by in silico analysis. Since supporting evidence is limited at this time, the clinical significance of this alteration remains unclear.

NM_001040108.2(MLH3):c.3083C>T (p.Ala1028Val)

Gene: MLH3 (mutL homolog 3; minus strand). Cytogenetic location: 14q24.3.
Variant type: single nucleotide variant.
Coding change: c.3083C>T on transcript NM_001040108.2 (MANE Select); coding-DNA position 3083, C replaced by T.
Protein change: p.Ala1028Val; replaces alanine 1028 with valine.
Molecular consequence: missense variant.
Genome position (GRCh38, 1-based): chr14:75,046,573, G>A on the plus strand (C>T on the coding strand, the complement: MLH3 is on the minus strand). VCF-style: chr14-75046573-G-A. GRCh37 (hg19) VCF-style: chr14-75513276-G-A.
Other names: c.3083C>T, p.Ala1028Val (NM_014381.3); short protein forms A1028V.
Identifiers: ClinVar variation 1727387 (VCV001727387.2), dbSNP rs2139548665, ClinGen allele CA390436464.